The following is an entry in ClinVar:

ClinVar aggregate classification (germline): Uncertain significance. Review status: criteria provided, multiple submitters, no conflicts (2 of 4 stars). 2 submissions from 2 submitters: Uncertain significance (2). Last evaluated 2024-04-20.

Conditions:
Cardiovascular phenotype. Identifiers: MedGen CN230736.
Myofibrillar myopathy 4. Also called: Zaspopathy (type). Identifiers: Orphanet 98912, MedGen C4721886, MONDO:0012277, OMIM 609452.

Submissions (2):

Ambry Genetics
Classification: Uncertain significance for Cardiovascular phenotype. Last evaluated: 2024-04-20. Review status: criteria provided, single submitter. Criteria: Ambry Variant Classification Scheme 2023. Collection method: clinical testing. Allele origin: germline.
Comment: The p.T438S variant (also known as c.1313C>G), located in coding exon 9 of the LDB3 gene, results from a C to G substitution at nucleotide position 1313. The threonine at codon 438 is replaced by serine, an amino acid with similar properties. This amino acid position is conserved. In addition, this alteration is predicted to be tolerated by in silico analysis. Based on the available evidence, the clinical significance of this variant remains unclear.

Labcorp Genetics (formerly Invitae), Labcorp
Classification: Uncertain significance for Myofibrillar myopathy 4. Last evaluated: 2016-08-11. Review status: criteria provided, single submitter. Criteria: Invitae Variant Classification Sherloc (09022015). Collection method: clinical testing. Allele origin: germline.
Comment: Algorithms developed to predict the effect of missense changes on protein structure and function (SIFT, PolyPhen-2, Align-GVGD) all suggest that this variant is likely to be tolerated, but these predictions have not been confirmed by published functional studies. Algorithms developed to predict the effect of sequence changes on mRNA splicing suggest that this variant may alter RNA splicing, but this prediction has not been confirmed by published transcriptional studies. In summary, this variant is a novel missense change with uncertain impact on protein function and splicing. It has been classified as a Variant of Uncertain Significance. While this variant is not present in population databases (ExAC no frequency), the frequency information is unreliable, as metrics indicate poor data quality at this position in the ExAC database. This variant has not been reported in the literature in an individual with a LDB3-related disease. This sequence change replaces threonine with serine at codon 443 of the LDB3 protein (p.Thr443Ser). The threonine residue is highly conserved and there is a small physicochemical difference between threonine and serine. The LDB3 gene has multiple clinically relevant isoforms. The p.Thr443Ser variant occurs in alternate transcript NM_001171610.1, which corresponds to position c.*17034C>G in NM_001080116.1, the primary transcript listed in the Methods.

NM_007078.3(LDB3):c.1313C>G (p.Thr438Ser)

Gene: LDB3 (LIM domain binding 3; plus strand). Cytogenetic location: 10q23.2.
Variant type: single nucleotide variant.
Coding change: c.1313C>G on transcript NM_007078.3 (MANE Select); coding-DNA position 1313, C replaced by G.
Protein change: p.Thr438Ser; replaces threonine 438 with serine.
Molecular consequence: missense variant.
Genome position (GRCh38, 1-based): chr10:86,716,408, C>G. VCF-style: chr10-86716408-C-G. GRCh37 (hg19) VCF-style: chr10-88476165-C-G.
Other names: c.1328C>G, p.Thr443Ser (NM_001171610.2); c.1172C>G, p.Thr391Ser (NM_001368066.1); c.1124C>G, p.Thr375Ser (NM_001368064.1, NM_001368065.1); c.983C>G, p.Thr328Ser (NM_001080114.2); c.1313C>G (NM_007078.2); short protein forms T438S, T443S, T391S, T328S, T375S.
Identifiers: ClinVar variation 406812 (VCV000406812.8), dbSNP rs767914340, ClinGen allele CA16612960.